The following is an entry in ClinVar:

NM_001134831.2(AHI1):c.3335A>T (p.Tyr1112Phe)

Gene: AHI1 (Abelson helper integration site 1; minus strand). Cytogenetic location: 6q23.3.
Variant type: single nucleotide variant.
Coding change: c.3335A>T on transcript NM_001134831.2 (MANE Select); coding-DNA position 3335, A replaced by T.
Protein change: p.Tyr1112Phe; replaces tyrosine 1112 with phenylalanine.
Molecular consequence: missense variant.
Genome position (GRCh38, 1-based): chr6:135,318,610, T>A on the plus strand (A>T on the coding strand, the complement: AHI1 is on the minus strand). VCF-style: chr6-135318610-T-A. GRCh37 (hg19) VCF-style: chr6-135639748-T-A.
Other names: c.3335A>T, p.Tyr1112Phe (NM_001134830.2, NM_001350503.2, NM_001350504.2 and 1 more transcripts); c.3335A>T (NM_017651.4); short protein forms Y1112F.
Identifiers: ClinVar variation 2197398 (VCV002197398.3), dbSNP rs762102067, ClinGen allele CA365844466.

ClinVar aggregate classification (germline): Uncertain significance. Review status: criteria provided, multiple submitters, no conflicts (2 of 4 stars). 3 submissions from 3 submitters: Uncertain significance (3). Last evaluated 2024-03-07.

Conditions:
Joubert syndrome 3 (JBTS3). Also called: AHI1-related Ciliopathy. Identifiers: Orphanet 220493, MedGen C1837713, MONDO:0012078, OMIM 608629.
Joubert syndrome. Also called: Familial aplasia of the vermis; JOUBERT-BOLTSHAUSER SYNDROME. Identifiers: Orphanet 475, MedGen C5979921, MONDO:0018772.

Allele frequency attached by ClinVar (database versions not stated): gnomAD 0.00001; TOPMed 0.00001.
gnomAD v4.1: 6 of 1,599,560 alleles (0.00038%); highest among the groups gnomAD compares: East Asian, 0.0067%; no homozygotes.

Submissions (3):

Fulgent Genetics
Classification: Uncertain significance for Joubert syndrome 3. Last evaluated: 2024-03-07. Review status: criteria provided, single submitter. Criteria: ACMG Guidelines, 2015. Collection method: clinical testing. Allele origin: germline.

Blueprint Genetics
Classification: Uncertain significance. Last evaluated: 2022-06-29. Review status: criteria provided, single submitter. Criteria: ACMG Guidelines, 2015. Collection method: clinical testing. Allele origin: germline.

Labcorp Genetics (formerly Invitae), Labcorp
Classification: Uncertain significance for Joubert syndrome. Last evaluated: 2022-05-25. Review status: criteria provided, single submitter. Criteria: Invitae Variant Classification Sherloc (09022015). Collection method: clinical testing. Allele origin: germline.
Comment: This sequence change replaces tyrosine, which is neutral and polar, with phenylalanine, which is neutral and non-polar, at codon 1112 of the AHI1 protein (p.Tyr1112Phe). This variant is present in population databases (no rsID available, gnomAD 0.01%). This variant has not been reported in the literature in individuals affected with AHI1-related conditions. Advanced modeling of protein sequence and biophysical properties (such as structural, functional, and spatial information, amino acid conservation, physicochemical variation, residue mobility, and thermodynamic stability) performed at Invitae indicates that this missense variant is not expected to disrupt AHI1 protein function. In summary, the available evidence is currently insufficient to determine the role of this variant in disease. Therefore, it has been classified as a Variant of Uncertain Significance.